The following is an entry in ClinVar:

NM_014283.5(SUCO):c.1387T>G (p.Ser463Ala)

Gene: SUCO (SUN domain containing ossification factor; plus strand). Cytogenetic location: 1q24.3.
Variant type: single nucleotide variant.
Coding change: c.1387T>G on transcript NM_014283.5 (MANE Select); coding-DNA position 1387, T replaced by G.
Protein change: p.Ser463Ala; replaces serine 463 with alanine.
Molecular consequence: missense variant. On other transcripts: 5 prime UTR variant (1).
Genome position (GRCh38, 1-based): chr1:172,578,344, T>G. VCF-style: chr1-172578344-T-G. GRCh37 (hg19) VCF-style: chr1-172547484-T-G.
Other names: c.1276T>G, p.Ser426Ala (NM_001282750.2); c.-143T>G (NM_001282751.2); c.1840T>G, p.Ser614Ala (NM_016227.4); short protein forms S426A, S614A, S463A.
Identifiers: ClinVar variation 1444746 (VCV001444746.8), dbSNP rs759980479, ClinGen allele CA1246854.

ClinVar aggregate classification (germline): Uncertain significance (1 of 4 stars; one submission).

Allele frequency attached by ClinVar (database versions not stated): ExAC 0.00001; gnomAD 0.00001; gnomAD exomes 0.00001 and 0.00002; TOPMed 0.00002.
gnomAD v4.1: 22 of 1,612,660 alleles (0.0014%); highest among the groups gnomAD compares: East Asian, 0.047%; no homozygotes.

Submission:

Labcorp Genetics (formerly Invitae), Labcorp
Classification: Uncertain significance. Last evaluated: 2021-05-04. Review status: criteria provided, single submitter. Criteria: Invitae Variant Classification Sherloc (09022015). Collection method: clinical testing. Allele origin: germline.
Comment: In summary, the available evidence is currently insufficient to determine the role of this variant in disease. Therefore, it has been classified as a Variant of Uncertain Significance. Algorithms developed to predict the effect of missense changes on protein structure and function are either unavailable or do not agree on the potential impact of this missense change (SIFT: "Tolerated"; PolyPhen-2: "Possibly Damaging"; Align-GVGD: "Class C0"). This variant has not been reported in the literature in individuals with SUCO-related conditions. This variant is present in population databases (rs759980479, ExAC 0.01%). This sequence change replaces serine with alanine at codon 463 of the SUCO protein (p.Ser463Ala). The serine residue is moderately conserved and there is a moderate physicochemical difference between serine and alanine.